The following is an entry in ClinVar:

ClinVar aggregate classification (germline): Conflicting classifications of pathogenicity. Review status: criteria provided, conflicting classifications (1 of 4 stars). 7 submissions from 7 submitters: Uncertain significance (3); Likely benign (3). 1 of the submissions does not count toward it. Last evaluated 2024-11-15.

Conditions:
Hereditary breast ovarian cancer syndrome. Also called: Breast and ovarian cancer; Hereditary breast and ovarian cancer; Hereditary breast and ovarian cancer syndrome; Hereditary breast and/or ovarian cancer syndrome; BRCA1- and BRCA2-Associated Hereditary Breast and Ovarian Cancer; Hereditary breast and ovarian cancer syndrome (HBOC). Identifiers: Orphanet 145, MedGen C0677776, MeSH D061325, MONDO:0003582. Disease mechanism: loss of function.
Breast-ovarian cancer, familial, susceptibility to, 1 (BROVCA1). Also called: BRCA1 Hereditary Breast and Ovarian Cancer; OVARIAN CANCER, SUSCEPTIBILITY TO. Identifiers: Orphanet 145, MedGen C2676676, MONDO:0011450, OMIM 604370. Disease mechanism: loss of function.
Inherited ovarian cancer (without breast cancer).
Hereditary cancer-predisposing syndrome. Also called: Tumor predisposition; Hereditary Cancer Syndrome; Neoplastic Syndromes, Hereditary; Hereditary neoplastic syndrome. Identifiers: Orphanet 140162, MedGen C0027672, MeSH D009386, MONDO:0015356.

Allele frequency attached by ClinVar (database versions not stated): gnomAD exomes 0.00001.

Submissions (7):

Myriad Genetics, Inc.
Classification: Likely benign for Breast-ovarian cancer, familial, susceptibility to, 1. Last evaluated: 2024-11-15. Review status: criteria provided, single submitter. Criteria: Myriad Autosomal Dominant, Autosomal Recessive and X-Linked Classification Criteria (2023). Collection method: clinical testing. Allele origin: unknown.
Comment: This variant is considered likely benign. This variant is strongly associated with less severe personal and family histories of cancer, typical for individuals without pathogenic variants in this gene [PMID: 25085752].

Labcorp Genetics (formerly Invitae), Labcorp
Classification: Uncertain significance for Hereditary breast ovarian cancer syndrome. Last evaluated: 2024-07-17. Review status: criteria provided, single submitter. Criteria: Invitae Variant Classification Sherloc (09022015). Collection method: clinical testing. Allele origin: germline.
Comment: This sequence change replaces valine, which is neutral and non-polar, with isoleucine, which is neutral and non-polar, at codon 660 of the BRCA1 protein (p.Val660Ile). This variant is not present in population databases (gnomAD no frequency). This missense change has been observed in individual(s) with personal or family history of breast and/or ovarian cancer (PMID: 34981296). ClinVar contains an entry for this variant (Variation ID: 234157). Advanced modeling of protein sequence and biophysical properties (such as structural, functional, and spatial information, amino acid conservation, physicochemical variation, residue mobility, and thermodynamic stability) performed at Invitae indicates that this missense variant is not expected to disrupt BRCA1 protein function with a negative predictive value of 95%. In summary, the available evidence is currently insufficient to determine the role of this variant in disease. Therefore, it has been classified as a Variant of Uncertain Significance.

Ambry Genetics
Classification: Uncertain significance for Hereditary cancer-predisposing syndrome. Last evaluated: 2024-05-27. Review status: criteria provided, single submitter. Criteria: Ambry Variant Classification Scheme 2023. Collection method: clinical testing. Allele origin: germline.
Comment: The p.V660I variant (also known as c.1978G>A), located in coding exon 9 of the BRCA1 gene, results from a G to A substitution at nucleotide position 1978. The valine at codon 660 is replaced by isoleucine, an amino acid with highly similar properties. This amino acid position is not well conserved in available vertebrate species. In addition, this alteration is predicted to be tolerated by in silico analysis. Based on the available evidence, the clinical significance of this variant remains unclear.

Genomics and Molecular Medicine Service, East Genomic Laboratory Hub, NHS Genomic Medicine Service
Classification: Likely benign for Inherited ovarian cancer (without breast cancer). Last evaluated: 2024-05-23. Review status: criteria provided, single submitter. Criteria: ACGS Best Practice Guidelines for Variant Classification in Rare Disease 2020. Collection method: clinical testing. Allele origin: germline. Affected: yes.
Comment: BP1,BP4

University of Washington Department of Laboratory Medicine, University of Washington
Classification: Likely benign for Hereditary cancer-predisposing syndrome. Last evaluated: 2023-03-23. Review status: criteria provided, single submitter. Criteria: Dines et al. (Genet Med. 2020). Collection method: curation. Allele origin: germline.
Comment: Missense variant in a coldspot region where missense variants are very unlikely to be pathogenic (PMID:31911673).

BRCA1 coldspot (exon 11 using historical exon numbering). Reclassification based on statistical prior probability

Color Diagnostics, LLC DBA Color Health
Classification: Uncertain significance for Hereditary cancer-predisposing syndrome. Last evaluated: 2019-04-06. Review status: criteria provided, single submitter. Criteria: ACMG Guidelines, 2015. Collection method: clinical testing. Allele origin: germline.

BRCAlab, Lund University
Classification: Uncertain significance for Breast-ovarian cancer, familial, susceptibility to, 1. Last evaluated: 2020-03-02. Review status: no assertion criteria provided. Collection method: clinical testing. Allele origin: germline. Affected: yes. Not counted in ClinVar's aggregate classification.

Literature cited by the submitters: PubMed 25085752 (cited by Myriad Genetics, Inc.); PubMed 34981296 (cited by Labcorp Genetics (formerly Invitae), Labcorp).

NM_007294.4(BRCA1):c.1978G>A (p.Val660Ile)

Gene: BRCA1 (BRCA1 DNA repair associated; minus strand). Cytogenetic location: 17q21.31.
Variant type: single nucleotide variant.
Coding change: c.1978G>A on transcript NM_007294.4 (MANE Select); coding-DNA position 1978, G replaced by A.
Protein change: p.Val660Ile; replaces valine 660 with isoleucine.
Molecular consequence: missense variant. On other transcripts: intron variant (137).
Genome position (GRCh38, 1-based): chr17:43,093,553, C>T on the plus strand (G>A on the coding strand, the complement: BRCA1 is on the minus strand). VCF-style: chr17-43093553-C-T. GRCh37 (hg19) VCF-style: chr17-41245570-C-T.
Other names: c.1765G>A, p.Val589Ile (NM_001407571.1, NM_001407915.1, NM_001407916.1 and 9 more transcripts); c.1978G>A, p.Val660Ile (NM_001407581.1, NM_001407582.1, NM_001407583.1 and 30 more transcripts); c.1975G>A, p.Val659Ile (NM_001407587.1, NM_001407590.1, NM_001407591.1 and 22 more transcripts); c.1900G>A, p.Val634Ile (NM_001407655.1, NM_001407656.1, NM_001407657.1 and 4 more transcripts); c.1897G>A, p.Val633Ile (NM_001407659.1, NM_001407660.1, NM_001407661.1 and 1 more transcripts); c.1855G>A, p.Val619Ile (NM_001407674.1, NM_001407675.1, NM_001407676.1 and 19 more transcripts); c.1837G>A, p.Val613Ile (NM_001407694.1, NM_001407695.1, NM_001407696.1 and 29 more transcripts); c.1834G>A, p.Val612Ile (NM_001407740.1, NM_001407741.1, NM_001407742.1 and 20 more transcripts); and 40 more; short protein forms V660I, V613I, V548I, V572I, V619I, V634I, V659I, V364I.
Identifiers: ClinVar variation 234157 (VCV000234157.23), dbSNP rs876660889, ClinGen allele CA10580640.
Genomic context (GRCh38, chr17:43,093,553, plus strand): 5'-TCTTGGCTCCAGTTGCAGGTTCTTTACCTTCCATGAGTTGTAGGTTTCTGCTGTGCCTGA[C>T]TGGCATTTGGTTGTACTTTTTTTTCTTTATCTCTTCACTGCTAGAACAACTATCAATTTG-3'
Protein context (NP_009225.1, residues 650-670): IKKKKYNQMP[Val660Ile]RHSRNLQLME